The following is an entry in ClinVar:

ClinVar aggregate classification (germline): Uncertain significance. Review status: criteria provided, multiple submitters, no conflicts (2 of 4 stars). 3 submissions from 3 submitters: Uncertain significance (3). Last evaluated 2026-01-28.

Conditions:
RAI1-related disorder. Also called: RAI1-related condition.

Allele frequency attached by ClinVar (database versions not stated): ExAC 0.00001; gnomAD 0.00001; gnomAD exomes 0.00001; TOPMed 0.00001.
gnomAD v4.1: 15 of 1,613,974 alleles (0.00093%); highest among the groups gnomAD compares: Middle Eastern, 0.016%; no homozygotes.

Submissions (3):

Labcorp Genetics (formerly Invitae), Labcorp
Classification: Uncertain significance. Last evaluated: 2026-01-28. Review status: criteria provided, single submitter. Criteria: Invitae Variant Classification Sherloc (09022015). Collection method: clinical testing. Allele origin: germline.
Comment: This sequence change replaces glycine, which is neutral and non-polar, with serine, which is neutral and polar, at codon 1410 of the RAI1 protein (p.Gly1410Ser). This variant is present in population databases (rs774984414, gnomAD 0.003%). This variant has not been reported in the literature in individuals affected with RAI1-related conditions. ClinVar contains an entry for this variant (Variation ID: 2729505). Invitae Evidence Modeling of protein sequence and biophysical properties (such as structural, functional, and spatial information, amino acid conservation, physicochemical variation, residue mobility, and thermodynamic stability) indicates that this missense variant is not expected to disrupt RAI1 protein function with a negative predictive value of 80%. In summary, the available evidence is currently insufficient to determine the role of this variant in disease. Therefore, it has been classified as a Variant of Uncertain Significance.

Women's Health and Genetics/Laboratory Corporation of America, LabCorp
Classification: Uncertain significance. Last evaluated: 2025-12-30. Review status: criteria provided, single submitter. Criteria: LabCorp Variant Classification Summary - May 2015. Collection method: clinical testing. Allele origin: germline.
Comment: Variant summary: RAI1 c.4228G>A (p.Gly1410Ser) results in a non-conservative amino acid change in the encoded protein sequence. Algorithms developed to predict the effect of missense changes on protein structure and function are either unavailable or do not agree on the potential impact of this missense change. The variant allele was found at a frequency of 1.2e-05 in 251244 control chromosomes. The available data on variant occurrences in the general population are insufficient to allow any conclusion about variant significance. To our knowledge, no occurrence of c.4228G>A in individuals affected with RAI1-related conditions and no experimental evidence demonstrating its impact on protein function have been reported. ClinVar contains an entry for this variant (Variation ID: 2729505). Based on the evidence outlined above, the variant was classified as uncertain significance.

PreventionGenetics, part of Exact Sciences
Classification: Uncertain significance for RAI1-related condition. Last evaluated: 2025-11-14. Review status: criteria provided, single submitter. Criteria: ACMG Guidelines, 2015. Collection method: clinical testing. Allele origin: germline.
Comment: The RAI1 c.4228G>A variant is predicted to result in the amino acid substitution p.Gly1410Ser. To our knowledge, this variant has not been reported in the literature. This variant is reported in 0.0026% of alleles in individuals of European (Non-Finnish) descent in gnomAD. At this time, the clinical significance of this variant is uncertain due to the absence of conclusive functional and genetic evidence.

NM_030665.4(RAI1):c.4228G>A (p.Gly1410Ser)

Gene: RAI1 (retinoic acid induced 1; plus strand). Cytogenetic location: 17p11.2.
Variant type: single nucleotide variant.
Coding change: c.4228G>A on transcript NM_030665.4 (MANE Select); coding-DNA position 4228, G replaced by A.
Protein change: p.Gly1410Ser; replaces glycine 1410 with serine.
Molecular consequence: missense variant.
Genome position (GRCh38, 1-based): chr17:17,797,176, G>A. VCF-style: chr17-17797176-G-A. GRCh37 (hg19) VCF-style: chr17-17700490-G-A.
Other names: c.4228G>A (NM_030665.3); short protein forms G1410S.
Identifiers: ClinVar variation 2729505 (VCV002729505.7), dbSNP rs774984414, ClinGen allele CA8418910.